The following is an entry in ClinVar:

NM_198253.3(TERT):c.886C>T (p.His296Tyr)

Gene: TERT (telomerase reverse transcriptase; minus strand). Cytogenetic location: 5p15.33.
Variant type: single nucleotide variant.
Coding change: c.886C>T on transcript NM_198253.3 (MANE Select); coding-DNA position 886, C replaced by T.
Protein change: p.His296Tyr; replaces histidine 296 with tyrosine.
Molecular consequence: missense variant. On other transcripts: non-coding transcript variant (2).
Genome position (GRCh38, 1-based): chr5:1,294,000, G>A on the plus strand (C>T on the coding strand, the complement: TERT is on the minus strand). VCF-style: chr5-1294000-G-A. GRCh37 (hg19) VCF-style: chr5-1294115-G-A.
Other names: c.886C>T, p.His296Tyr (NM_001193376.3, NM_003219.1); short protein forms H296Y.
Identifiers: ClinVar variation 2447515 (VCV002447515.2), dbSNP rs1045272001, ClinGen allele CA112914937.

ClinVar aggregate classification (germline): Uncertain significance (1 of 4 stars; one submission).

Conditions:
Dyskeratosis congenita. Identifiers: Orphanet 1775, MedGen C0265965, MONDO:0015780.

Allele frequency attached by ClinVar (database versions not stated): gnomAD exomes below 0.00001.
gnomAD v4.1: 4 of 1,578,656 alleles (0.00025%); highest among the groups gnomAD compares: Non-Finnish European, 0.00034%; no homozygotes.

Submission:

Ambry Genetics
Classification: Uncertain significance for Dyskeratosis congenita. Last evaluated: 2023-03-05. Review status: criteria provided, single submitter. Criteria: Ambry Variant Classification Scheme 2023. Collection method: clinical testing. Allele origin: germline.
Comment: The p.H296Y variant (also known as c.886C>T), located in coding exon 2 of the TERT gene, results from a C to T substitution at nucleotide position 886. The histidine at codon 296 is replaced by tyrosine, an amino acid with similar properties. This amino acid position is conserved. In addition, this alteration is predicted to be tolerated by in silico analysis. Since supporting evidence is limited at this time, the clinical significance of this alteration remains unclear.